The following is an entry in ClinVar:

NM_006506.5(RASA2):c.224G>A (p.Arg75His)

Gene: RASA2 (RAS p21 protein activator 2; plus strand). Cytogenetic location: 3q23.
Variant type: single nucleotide variant.
Coding change: c.224G>A on transcript NM_006506.5 (MANE Select); coding-DNA position 224, G replaced by A.
Protein change: p.Arg75His; replaces arginine 75 with histidine.
Molecular consequence: missense variant.
Genome position (GRCh38, 1-based): chr3:141,512,253, G>A. VCF-style: chr3-141512253-G-A. GRCh37 (hg19) VCF-style: chr3-141231095-G-A.
Other names: c.224G>A, p.Arg75His (NM_001303245.3, NM_001303246.3); short protein forms R75H.
Identifiers: ClinVar variation 1497258 (VCV001497258.7), dbSNP rs759141778, ClinGen allele CA2645128.
Genomic context (GRCh38, chr3:141,512,253, plus strand): 5'-GACCCCACAAAATGAGAGATTGTTTCTGTACCATAAATTTGGACCAGGAAGAAGTTTATC[G>A]TACCCAAGTTGTGGAAAAATCTTTAAGGTTGGTAGAAAAAATTGGTAAATTATAATTTTT-3'
Protein context (NP_006497.2, residues 65-85): TINLDQEEVY[Arg75His]TQVVEKSLSP

ClinVar aggregate classification (germline): Uncertain significance. Review status: criteria provided, multiple submitters, no conflicts (2 of 4 stars). 2 submissions from 2 submitters: Uncertain significance (2). Last evaluated 2025-12-05.

gnomAD v4.1: 19 of 1,589,448 alleles (0.0012%); highest among the groups gnomAD compares: South Asian, 0.0023%; no homozygotes.

Submissions (2):

Women's Health and Genetics/Laboratory Corporation of America, LabCorp
Classification: Uncertain significance. Last evaluated: 2025-12-05. Review status: criteria provided, single submitter. Criteria: LabCorp Variant Classification Summary - May 2015. Collection method: clinical testing. Allele origin: germline.
Comment: Variant summary: RASA2 c.224G>A (p.Arg75His) results in a non-conservative amino acid change located in the first C2 domain (IPR000008) of the encoded protein sequence. Algorithms developed to predict the effect of missense changes on protein structure and function all suggest that this variant is likely to be disruptive. The variant allele was found at a frequency of 1.2e-05 in 1582522 control chromosomes (gnomAD). This frequency is not significantly higher than estimated for disease-causing variants in RASA2, allowing no conclusion about variant significance. To our knowledge, no occurrence of c.224G>A in individuals affected with RASA2-related conditions and no experimental evidence demonstrating its impact on protein function have been reported. ClinVar contains an entry for this variant (Variation ID: 1497258). Based on the evidence outlined above, the variant was classified as uncertain significance.

Labcorp Genetics (formerly Invitae), Labcorp
Classification: Uncertain significance. Last evaluated: 2021-11-07. Review status: criteria provided, single submitter. Criteria: Invitae Variant Classification Sherloc (09022015). Collection method: clinical testing. Allele origin: germline.
Comment: In summary, the available evidence is currently insufficient to determine the role of this variant in disease. Therefore, it has been classified as a Variant of Uncertain Significance. Algorithms developed to predict the effect of missense changes on protein structure and function are either unavailable or do not agree on the potential impact of this missense change (SIFT: "Tolerated"; PolyPhen-2: "Probably Damaging"; Align-GVGD: "Class C0"). This variant has not been reported in the literature in individuals affected with RASA2-related conditions. The frequency data for this variant in the population databases is considered unreliable, as metrics indicate poor data quality at this position in the gnomAD database. This sequence change replaces arginine, which is basic and polar, with histidine, which is basic and polar, at codon 75 of the RASA2 protein (p.Arg75His).